The following is an entry in ClinVar:

ClinVar aggregate classification (germline): Likely pathogenic (1 of 4 stars; one submission).

Allele frequency attached by ClinVar (database versions not stated): gnomAD exomes below 0.00001.
gnomAD v4.1: 1 of 1,614,088 alleles (0.000062%); highest among the groups gnomAD compares: Non-Finnish European, 0.000085%; no homozygotes.

Submission:

GeneDx
Classification: Likely pathogenic. Last evaluated: 2022-10-05. Review status: criteria provided, single submitter. Criteria: GeneDx Variant Classification Process June 2021. Collection method: clinical testing. Allele origin: germline. Affected: yes.
Comment: Observed in apparent homozygous state in a patient with ecchymosis, prolonged bleeding after trauma, and a family history of bleeding, but additional family history information was not provided (Mukaddam et al., 2015); Not observed at significant frequency in large population cohorts (gnomAD); In silico analysis supports that this missense variant has a deleterious effect on protein structure/function; This variant is associated with the following publications: (PMID: 26278915)

NM_005141.5(FGB):c.1133C>T (p.Thr378Ile)

Gene: FGB (fibrinogen beta chain; plus strand). Cytogenetic location: 4q31.3.
Variant type: single nucleotide variant.
Coding change: c.1133C>T on transcript NM_005141.5 (MANE Select); coding-DNA position 1133, C replaced by T.
Protein change: p.Thr378Ile; replaces threonine 378 with isoleucine.
Molecular consequence: missense variant. On other transcripts: intron variant (1).
Genome position (GRCh38, 1-based): chr4:154,569,688, C>T. VCF-style: chr4-154569688-C-T. GRCh37 (hg19) VCF-style: chr4-155490840-C-T.
Other names: c.956C>T, p.Thr319Ile (NM_001184741.1); c.1001C>T, p.Thr334Ile (NM_001382759.1); c.1133C>T, p.Thr378Ile (NM_001382760.1, NM_001382761.1, NM_001382765.1); c.833C>T, p.Thr278Ile (NM_001382762.1); c.1124C>T, p.Thr375Ile (NM_001382763.1); c.1080+53C>T (NM_001382764.1); short protein forms T278I, T319I, T334I, T375I, T378I.
Identifiers: ClinVar variation 2498020 (VCV002498020.1), dbSNP rs2530787207, ClinGen allele CA358515231.